The following is an entry in ClinVar:

NM_001353345.2(SETD1B):c.3977C>T (p.Pro1326Leu)

Gene: SETD1B (SET domain containing 1B, histone lysine methyltransferase; plus strand). Cytogenetic location: 12q24.31.
Variant type: single nucleotide variant.
Coding change: c.3977C>T on transcript NM_001353345.2 (MANE Select); coding-DNA position 3977, C replaced by T.
Protein change: p.Pro1326Leu; replaces proline 1326 with leucine.
Molecular consequence: missense variant.
Genome position (GRCh38, 1-based): chr12:121,822,556, C>T. VCF-style: chr12-121822556-C-T. GRCh37 (hg19) VCF-style: chr12-122260462-C-T.
Other names: NM_015048.1:c.3848C>T; short protein forms P1326L.
Identifiers: ClinVar variation 5029419 (VCV005029419.1).

ClinVar aggregate classification (germline): Uncertain significance (1 of 4 stars; one submission).

Conditions:
Inborn genetic diseases. Identifiers: MedGen C0950123, MeSH D030342.

gnomAD v4.1: 16 of 1,550,956 alleles (0.001%); highest among the groups gnomAD compares: East Asian, 0.0024%; no homozygotes.

Submission:

Ambry Genetics
Classification: Uncertain significance for Inborn genetic diseases. Last evaluated: 2026-06-17. Review status: criteria provided, single submitter. Criteria: Ambry Variant Classification Scheme 2023. Collection method: clinical testing. Allele origin: germline.
Comment: The c.3848C>T (p.P1283L) alteration is located in exon 12 (coding exon 12) of the SETD1B gene. This alteration results from a C to T substitution at nucleotide position 3848, causing the proline (P) at amino acid position 1283 to be replaced by a leucine (L). Based on data from gnomAD, the T allele has an overall frequency of 0.001% (1/155874) total alleles studied. The highest observed frequency was 0.002% (1/60144) of European (non-Finnish) alleles. Based on insufficient or conflicting evidence, the clinical significance of this alteration remains unclear.